The following is an entry in ClinVar:

NM_138927.4(SON):c.2334T>C (p.Thr778=)

Gene: SON (SON DNA and RNA binding protein; plus strand). Cytogenetic location: 21q22.11.
Variant type: single nucleotide variant.
Coding change: c.2334T>C on transcript NM_138927.4 (MANE Select); coding-DNA position 2334, T replaced by C.
Protein change: p.Thr778=; no amino-acid change (threonine 778 retained).
Molecular consequence: synonymous variant. On other transcripts: non-coding transcript variant (1), intron variant (1).
Genome position (GRCh38, 1-based): chr21:33,551,565, T>C. VCF-style: chr21-33551565-T-C. GRCh37 (hg19) VCF-style: chr21-34923871-T-C.
Other names: c.2334T>C, p.Thr778= (NM_001291411.2, NM_032195.3); c.244+5186T>C (NM_001291412.3).
Identifiers: ClinVar variation 4820884 (VCV004820884.4).

ClinVar aggregate classification (germline): Likely benign (1 of 4 stars; one submission).

Submission:

CeGaT Center for Human Genetics Tuebingen
Classification: Likely benign. Last evaluated: 2026-03-01. Review status: criteria provided, single submitter. Criteria: CeGaT Center For Human Genetics Tuebingen Variant Classification Criteria Version 2. Collection method: clinical testing. Allele origin: germline. Affected: yes. Observed: 1 variant allele.
Comment: SON: BP4, BP7